The following is an entry in ClinVar:

NM_024747.6(HPS6):c.112C>G (p.Pro38Ala)

Genes: HPS6 (HPS6 biogenesis of lysosomal organelles complex 2 subunit 3; plus strand), LOC130004578 (ATAC-STARR-seq lymphoblastoid silent region 2738; plus strand). Cytogenetic location: 10q24.32.
Variant type: single nucleotide variant.
Coding change: c.112C>G on transcript NM_024747.6 (MANE Select); coding-DNA position 112, C replaced by G.
Protein change: p.Pro38Ala; replaces proline 38 with alanine.
Molecular consequence: missense variant.
Genome position (GRCh38, 1-based): chr10:102,065,586, C>G. VCF-style: chr10-102065586-C-G. GRCh37 (hg19) VCF-style: chr10-103825343-C-G.
Other names: short protein forms P38A.
Identifiers: ClinVar variation 298550 (VCV000298550.13), dbSNP rs746813506, ClinGen allele CA5659746.

ClinVar aggregate classification (germline): Conflicting classifications of pathogenicity. Review status: criteria provided, conflicting classifications (1 of 4 stars). 3 submissions from 3 submitters: Uncertain significance (1); Likely benign (2). Last evaluated 2026-01-26.

Conditions:
HPS6-related disorder. Also called: HPS6-related condition.
Hermansky-Pudlak syndrome 6 (HPS6). Identifiers: Orphanet 231512, Orphanet 79430, MedGen C3888007, MONDO:0013558, OMIM 614075.

Allele frequency attached by ClinVar (database versions not stated): gnomAD 0.00011 and 0.00012; TOPMed 0.00016; gnomAD exomes 0.00021; ExAC 0.00027.

Submissions (3):

Labcorp Genetics (formerly Invitae), Labcorp
Classification: Likely benign. Last evaluated: 2026-01-26. Review status: criteria provided, single submitter. Criteria: Invitae Variant Classification Sherloc (09022015). Collection method: clinical testing. Allele origin: germline.

PreventionGenetics, part of Exact Sciences
Classification: Likely benign for HPS6-related condition. Last evaluated: 2024-11-21. Review status: criteria provided, single submitter. Criteria: ACMG Guidelines, 2015. Collection method: clinical testing. Allele origin: germline.
Comment: This variant is classified as likely benign based on ACMG/AMP sequence variant interpretation guidelines (Richards et al. 2015 PMID: 25741868, with internal and published modifications).

Illumina Laboratory Services, Illumina
Classification: Uncertain significance for Hermansky-Pudlak syndrome 6. Last evaluated: 2018-01-13. Review status: criteria provided, single submitter. Criteria: ICSL Variant Classification Criteria 13 December 2019. Collection method: clinical testing. Allele origin: germline.